The following is an entry in ClinVar:

NM_005359.6(SMAD4):c.780C>T (p.Tyr260=)

Gene: SMAD4 (SMAD family member 4; plus strand). Cytogenetic location: 18q21.2.
Variant type: single nucleotide variant.
Coding change: c.780C>T on transcript NM_005359.6 (MANE Select); coding-DNA position 780, C replaced by T.
Protein change: p.Tyr260=; no amino-acid change (tyrosine 260 retained).
Molecular consequence: synonymous variant.
Genome position (GRCh38, 1-based): chr18:51,058,237, C>T. VCF-style: chr18-51058237-C-T. GRCh37 (hg19) VCF-style: chr18-48584607-C-T.
Identifiers: ClinVar variation 629938 (VCV000629938.16), dbSNP rs1568206103, ClinGen allele CA503994040.

ClinVar aggregate classification (germline): Benign/Likely benign. Review status: criteria provided, multiple submitters, no conflicts (2 of 4 stars). 4 submissions from 4 submitters: Benign (1); Likely benign (3). Last evaluated 2025-03-19.

Conditions:
Hereditary cancer-predisposing syndrome. Also called: Hereditary neoplastic syndrome; Neoplastic Syndromes, Hereditary; Tumor predisposition; Hereditary Cancer Syndrome. Identifiers: Orphanet 140162, MedGen C0027672, MeSH D009386, MONDO:0015356.
Familial thoracic aortic aneurysm and aortic dissection (TAAD). Also called: Thoracic aortic aneurysms and dissections. Identifiers: Orphanet 91387, MedGen C4707243, MONDO:0019625.
Juvenile polyposis syndrome (JPS). Identifiers: Orphanet 2929, MedGen C0345893, MONDO:0017380, OMIM 174900.
Juvenile polyposis/hereditary hemorrhagic telangiectasia syndrome (JPHT). Also called: Juvenile Polyposis Syndrome / Hereditary Hemorrhagic Telangiectasia (JPS/HHT); JP/HHT SYNDROME; JUVENILE POLYPOSIS WITH HEREDITARY HEMORRHAGIC TELANGIECTASIA; POLYPOSIS, GENERALIZED JUVENILE, WITH PULMONARY ARTERIOVENOUS MALFORMATION; TELANGIECTASIA, HEREDITARY HEMORRHAGIC, WITH JUVENILE POLYPOSIS COLI. Identifiers: Orphanet 2929, MedGen C1832942, MONDO:0008278, OMIM 175050.

Submissions (4):

Myriad Genetics, Inc.
Classification: Benign for Juvenile polyposis/hereditary hemorrhagic telangiectasia syndrome. Last evaluated: 2025-03-19. Review status: criteria provided, single submitter. Criteria: Myriad Autosomal Dominant, Autosomal Recessive and X-Linked Classification Criteria (2023). Collection method: clinical testing. Allele origin: unknown.
Comment: This variant is considered benign. This variant is a silent/synonymous amino acid change and it is not expected to impact splicing.

Labcorp Genetics (formerly Invitae), Labcorp
Classification: Likely benign for Juvenile polyposis syndrome. Last evaluated: 2022-04-30. Review status: criteria provided, single submitter. Criteria: Invitae Variant Classification Sherloc (09022015). Collection method: clinical testing. Allele origin: germline.

Ambry Genetics
Classification: Likely benign for Hereditary cancer-predisposing syndrome; Familial thoracic aortic aneurysm and aortic dissection. Last evaluated: 2019-06-24. Review status: criteria provided, single submitter. Criteria: Ambry Variant Classification Scheme 2023. Collection method: clinical testing. Allele origin: germline.

Color Diagnostics, LLC DBA Color Health
Classification: Likely benign for Hereditary cancer-predisposing syndrome. Last evaluated: 2018-03-23. Review status: criteria provided, single submitter. Criteria: ACMG Guidelines, 2015. Collection method: clinical testing. Allele origin: germline.